The following is an entry in ClinVar:

NC_012920.1(MT-TI):m.4308G>A

Gene: MT-TI (mitochondrially encoded tRNA isoleucine; plus strand).
Variant type: single nucleotide variant.
Genome position: chrM-4308-G-A.
Identifiers: ClinVar variation 689875 (VCV000689875.2), dbSNP rs1603219396, ClinGen allele CA913177679.

ClinVar aggregate classification (germline): Uncertain significance. Review status: reviewed by expert panel (3 of 4 stars). 2 submissions from 2 submitters: Uncertain significance (1). 1 of the submissions does not count toward it. Last evaluated 2022-10-10.

Conditions:
Mitochondrial disease. Also called: Mitochondrial disorder; Mitochondrial disorders. Identifiers: Orphanet 68380, MedGen C0751651, MeSH D028361, MONDO:0044970.
MELAS syndrome (MELAS). Also called: Juvenile myopathy, encephalopathy, lactic acidosis, stroke. Identifiers: Orphanet 550, MedGen C0162671, MONDO:0010789, OMIM 540000.

Submissions (2):

ClinGen Mitochondrial Disease Nuclear and Mitochondrial  Variant Curation Expert Panel, ClinGen
Classification: Uncertain significance for Mitochondrial disease. Last evaluated: 2022-10-10. Review status: reviewed by expert panel. Criteria: clingen mito disease acmg specifications v1-1. Collection method: curation. Allele origin: germline. Inheritance: Mitochondrial inheritance.
Comment: The m.4308G>A variant in MT-TI has been reported in two unrelated individuals with primary mitochondrial disease with onset ranging from the first decade to third decade of life and features include bilateral ptosis, chronic progressive external ophthalmoplegia (CPEO), exercise intolerance, decreased BMI, and hyperCKemia. Muscle biopsy showed paracrystalline inclusions, ragged red fibers, COX negative fibers, and respiratory chain deficiencies across complexes I, III, and IV. In both cases, the variant was undetectable in blood when the individuals were tested in their 30s and 50s. The variant was heteroplasmic in muscle, however the exact heteroplasmy level was only reported in one of these cases at 47%. Neither case had any positive family history (PS4_supporting; PMIDs: 20884012; 21292040). This variant occurred de novo in one individual (absent in blood and muscle from mother via RFLP; PM6_supporting, PMID: 21292040). There are no large families reported in the medical literature to consider for evidence of segregation. This variant is absent in the GenBank dataset, Helix dataset, and gnomAD v3.1.2 (PM2_supporting). The computational predictor MitoTIP suggests this variant is pathogenic (82.1 percentile) and HmtVAR predicts it to be pathogenic score of 0.55 (PP3). There are no cybrids, single fiber studies, or other functional assays reported on this variant. In summary, this variant meets criteria to be classified as uncertain significance for primary mitochondrial disease inherited in a mitochondrial manner. This classification was approved by the NICHD/NINDS U24 ClinGen Mitochondrial Disease Variant Curation Expert Panel on October 10, 2022. Mitochondrial DNA-specific ACMG/AMP criteria applied: PS4_supporting, PM2_supporting, PP3, PM6_supporting.

Wong Mito Lab, Molecular and Human Genetics, Baylor College of Medicine
Classification: Likely pathogenic for MELAS syndrome. Last evaluated: 2019-07-12. Review status: criteria provided, single submitter. Criteria: Modified ACMG Guidelines (Unpublished). Collection method: clinical testing. Allele origin: germline. Not counted in ClinVar's aggregate classification.
Comment: The NC_012920.1:m.4308G>A variant in MT-TI gene is interpreted to be a Likely Pathogenic variant based on the modified ACMG guidelines (unpublished). This variant meets the following evidence codes reported in the guidelines: PM7, PM8, PM9, PM10, PP6

Literature cited by the submitters: PubMed 31965079 (cited by Wong Mito Lab, Molecular and Human Genetics, Baylor College of Medicine).